The following is an entry in ClinVar:

ClinVar aggregate classification (germline): Pathogenic (1 of 4 stars; one submission).

Conditions:
DNA ligase IV deficiency. Identifiers: Orphanet 99812, MedGen C1847827, MONDO:0011686, OMIM 606593.

Submission:

Labcorp Genetics (formerly Invitae), Labcorp
Classification: Pathogenic for DNA ligase IV deficiency. Last evaluated: 2023-12-14. Review status: criteria provided, single submitter. Criteria: Invitae Variant Classification Sherloc (09022015). Collection method: clinical testing. Allele origin: germline.
Comment: This sequence change creates a premature translational stop signal (p.Gly541*) in the LIG4 gene. While this is not anticipated to result in nonsense mediated decay, it is expected to disrupt the last 371 amino acid(s) of the LIG4 protein. This variant is not present in population databases (gnomAD no frequency). This variant has not been reported in the literature in individuals affected with LIG4-related conditions. Algorithms developed to predict the effect of sequence changes on RNA splicing suggest that this variant may create or strengthen a splice site. This variant disrupts a region of the LIG4 protein in which other variant(s) (p.Gln904*) have been determined to be pathogenic (PMID: 34630384). This suggests that this is a clinically significant region of the protein, and that variants that disrupt it are likely to be disease-causing. For these reasons, this variant has been classified as Pathogenic.

Literature cited by the submitters: PubMed 34630384.

NM_206937.2(LIG4):c.1621G>T (p.Gly541Ter)

Gene: LIG4 (DNA ligase 4; minus strand). Cytogenetic location: 13q33.3.
Variant type: single nucleotide variant.
Coding change: c.1621G>T on transcript NM_206937.2 (MANE Select); coding-DNA position 1621, G replaced by T.
Protein change: p.Gly541Ter; replaces glycine 541 with a stop codon.
Molecular consequence: nonsense.
Genome position (GRCh38, 1-based): chr13:108,209,648, C>A on the plus strand (G>T on the coding strand, the complement: LIG4 is on the minus strand). VCF-style: chr13-108209648-C-A. GRCh37 (hg19) VCF-style: chr13-108861996-C-A.
Other names: c.1621G>T, p.Gly541Ter (NM_001098268.2, NM_001352598.2, NM_001352599.2 and 6 more transcripts); c.1420G>T, p.Gly474Ter (NM_001330595.2); c.1657G>T, p.Gly553Ter (NM_001352604.2); short protein forms G541*, G474*, G553*.
Identifiers: ClinVar variation 2703202 (VCV002703202.3), dbSNP rs2501597013, ClinGen allele CA388616634.
Genomic context (GRCh38, chr13:108,209,648, plus strand): 5'-CTTTAATCTGAACAATGACAGAATTACAAGGTTCAATGTATACTTCTGGCTTCTCTGTTC[C>A]ACATAAAATGCTGCTTGGTGGAGCTTTTCTATGAAAAGGCTTCCAATACTTGGCCAATTT-3'